The following is an entry in ClinVar:

NM_001113378.2(FANCI):c.632del (p.Pro211fs)

Gene: FANCI (FA complementation group I; plus strand). Cytogenetic location: 15q26.1.
Variant type: Deletion.
Coding change: c.632del on transcript NM_001113378.2 (MANE Select); coding-DNA position 632, one base deleted (C; older notation c.632delC).
Protein change: p.Pro211fs; shifts the reading frame from proline 211.
Molecular consequence: frameshift variant.
Genome position (GRCh38, 1-based): chr15:89,263,989, C deleted; the last of 2 consecutive C bases (chr15:89,263,988-89,263,989); deleting either gives the same sequence. VCF-style (leftmost placement, unchanged base first): chr15-89263987-AC-A. GRCh37 (hg19) VCF-style: chr15-89807218-AC-A.
Other names: c.353del, p.Pro118fs (NM_001376910.1); c.632del, p.Pro211fs (NM_001376911.1, NM_018193.3); short protein forms P118fs, P211fs.
Identifiers: ClinVar variation 2144163 (VCV002144163.4), dbSNP rs2505970054, ClinGen allele CA2580090175.

ClinVar aggregate classification (germline): Pathogenic (1 of 4 stars; one submission).

Conditions:
Fanconi anemia (FA). Also called: Fanconi's anemia. Identifiers: Orphanet 84, MedGen C0015625, MeSH D005199, MONDO:0019391.

Submission:

Labcorp Genetics (formerly Invitae), Labcorp
Classification: Pathogenic for Fanconi anemia. Last evaluated: 2025-06-14. Review status: criteria provided, single submitter. Criteria: Invitae Variant Classification Sherloc (09022015). Collection method: clinical testing. Allele origin: germline.
Comment: This sequence change creates a premature translational stop signal (p.Pro211Hisfs*24) in the FANCI gene. It is expected to result in an absent or disrupted protein product. Loss-of-function variants in FANCI are known to be pathogenic (PMID: 17452773, 17460694). This variant is not present in population databases (gnomAD no frequency). This variant has not been reported in the literature in individuals affected with FANCI-related conditions. ClinVar contains an entry for this variant (Variation ID: 2144163). For these reasons, this variant has been classified as Pathogenic.

Literature cited by the submitters: PubMed 17452773; PubMed 17460694.